The following is an entry in ClinVar:

NM_000092.5(COL4A4):c.2270G>A (p.Gly757Glu)

Gene: COL4A4 (collagen type IV alpha 4 chain; minus strand). Cytogenetic location: 2q36.3.
Variant type: single nucleotide variant.
Coding change: c.2270G>A on transcript NM_000092.5 (MANE Select); coding-DNA position 2270, G replaced by A.
Protein change: p.Gly757Glu; replaces glycine 757 with glutamic acid.
Molecular consequence: missense variant.
Genome position (GRCh38, 1-based): chr2:227,059,518, C>T on the plus strand (G>A on the coding strand, the complement: COL4A4 is on the minus strand). VCF-style: chr2-227059518-C-T. GRCh37 (hg19) VCF-style: chr2-227924234-C-T.
Other names: short protein forms G757E.
Identifiers: ClinVar variation 2780015 (VCV002780015.4), dbSNP rs2474221510, ClinGen allele CA350842028.
Genomic context (GRCh38, chr2:227,059,518, plus strand): 5'-CCTGAAAGACCCCTCTTTCCCGGGGGTCCCAGGTGACCAAATGCAGGGTCTCCCGGGATT[C>T]CTTTCTGACCATTCACTCCTGGTGAGCCGGGAGGGCCTGGGGGCCCAACAGGGGAGGACC-3'
Protein context (NP_000083.3, residues 747-767): PGSPGVNGQK[Gly757Glu]IPGDPAFGHL

ClinVar aggregate classification (germline): Likely pathogenic. Review status: criteria provided, multiple submitters, no conflicts (2 of 4 stars). 2 submissions from 2 submitters: Likely pathogenic (2). Last evaluated 2024-04-12.

Conditions:
Autosomal recessive Alport syndrome (ATS2). Also called: Alport syndrome type 2; COL4A4 Alport Syndrome and Thin Basement Membrane Nephropathy; COL4A3-Related Nephropathy; ALPORT SYNDROME 2, AUTOSOMAL RECESSIVE. Identifiers: Orphanet 63, Orphanet 88919, MedGen C4746745, MONDO:0008762, OMIM 203780.
Hematuria, benign familial, 1 (BFH1). Also called: THIN MEMBRANE NEPHROPATHY. Identifiers: MedGen CN376803, MONDO:0007709, OMIM 141200.

Submissions (2):

Fulgent Genetics
Classification: Likely pathogenic for Hematuria, benign familial, 1; Autosomal recessive Alport syndrome. Last evaluated: 2024-04-12. Review status: criteria provided, single submitter. Criteria: ACMG Guidelines, 2015. Collection method: clinical testing. Allele origin: germline.

Labcorp Genetics (formerly Invitae), Labcorp
Classification: Likely pathogenic. Last evaluated: 2023-07-12. Review status: criteria provided, single submitter. Criteria: Invitae Variant Classification Sherloc (09022015). Collection method: clinical testing. Allele origin: germline.
Comment: In summary, the currently available evidence indicates that the variant is pathogenic, but additional data are needed to prove that conclusively. Therefore, this variant has been classified as Likely Pathogenic. Advanced modeling of protein sequence and biophysical properties (such as structural, functional, and spatial information, amino acid conservation, physicochemical variation, residue mobility, and thermodynamic stability) performed at Invitae indicates that this missense variant is expected to disrupt COL4A4 protein function. This missense change has been observed in individuals with Alport syndrome (PMID: 33040356; Invitae). This variant is not present in population databases (gnomAD no frequency). This sequence change replaces glycine, which is neutral and non-polar, with glutamic acid, which is acidic and polar, at codon 757 of the COL4A4 protein (p.Gly757Glu).

Literature cited by the submitters: PubMed 33040356 (cited by Labcorp Genetics (formerly Invitae), Labcorp).